The following is an entry in ClinVar:

ClinVar aggregate classification (germline): Uncertain significance. Review status: criteria provided, multiple submitters, no conflicts (2 of 4 stars). 3 submissions from 3 submitters: Uncertain significance (3). Last evaluated 2024-04-11.

Conditions:
Hereditary cancer-predisposing syndrome. Also called: Hereditary Cancer Syndrome; Neoplastic Syndromes, Hereditary; Hereditary neoplastic syndrome; Tumor predisposition. Identifiers: Orphanet 140162, MedGen C0027672, MeSH D009386, MONDO:0015356.
Tuberous sclerosis 1 (TSC1). Identifiers: Orphanet 805, MedGen C1854465, MONDO:0008612, OMIM 191100.

Submissions (3):

Labcorp Genetics (formerly Invitae), Labcorp
Classification: Uncertain significance for Tuberous sclerosis 1. Last evaluated: 2024-04-11. Review status: criteria provided, single submitter. Criteria: Invitae Variant Classification Sherloc (09022015). Collection method: clinical testing. Allele origin: germline.
Comment: This sequence change replaces lysine, which is basic and polar, with threonine, which is neutral and polar, at codon 815 of the TSC1 protein (p.Lys815Thr). This variant is not present in population databases (gnomAD no frequency). This variant has not been reported in the literature in individuals affected with TSC1-related conditions. ClinVar contains an entry for this variant (Variation ID: 821286). Advanced modeling of protein sequence and biophysical properties (such as structural, functional, and spatial information, amino acid conservation, physicochemical variation, residue mobility, and thermodynamic stability) performed at Invitae indicates that this missense variant is not expected to disrupt TSC1 protein function with a negative predictive value of 95%. In summary, the available evidence is currently insufficient to determine the role of this variant in disease. Therefore, it has been classified as a Variant of Uncertain Significance.

Genome-Nilou Lab
Classification: Uncertain significance for Tuberous sclerosis 1. Last evaluated: 2021-11-07. Review status: criteria provided, single submitter. Criteria: ACMG Guidelines, 2015. Collection method: clinical testing. Allele origin: germline. Affected: no.

Ambry Genetics
Classification: Uncertain significance for Hereditary cancer-predisposing syndrome. Last evaluated: 2019-12-19. Review status: criteria provided, single submitter. Criteria: Ambry Variant Classification Scheme 2023. Collection method: clinical testing. Allele origin: germline.
Comment: The p.K815T variant (also known as c.2444A>C), located in coding exon 17 of the TSC1 gene, results from an A to C substitution at nucleotide position 2444. The lysine at codon 815 is replaced by threonine, an amino acid with similar properties. This amino acid position is well conserved in available vertebrate species. In addition, the in silico prediction for this alteration is inconclusive. Since supporting evidence is limited at this time, the clinical significance of this alteration remains unclear.

NM_000368.5(TSC1):c.2444A>C (p.Lys815Thr)

Gene: TSC1 (TSC complex subunit 1; minus strand). Cytogenetic location: 9q34.13.
Variant type: single nucleotide variant.
Coding change: c.2444A>C on transcript NM_000368.5 (MANE Select); coding-DNA position 2444, A replaced by C.
Protein change: p.Lys815Thr; replaces lysine 815 with threonine.
Molecular consequence: missense variant.
Genome position (GRCh38, 1-based): chr9:132,901,647, T>G on the plus strand (A>C on the coding strand, the complement: TSC1 is on the minus strand). VCF-style: chr9-132901647-T-G. GRCh37 (hg19) VCF-style: chr9-135777034-T-G.
Other names: c.2441A>C, p.Lys814Thr (NM_001162426.2); c.2291A>C, p.Lys764Thr (NM_001162427.2); c.2081A>C, p.Lys694Thr (NM_001362177.2); short protein forms K815T, K764T, K814T, K694T.
Identifiers: ClinVar variation 821286 (VCV000821286.15), dbSNP rs1588299170, ClinGen allele CA375358575.